The following is an entry in ClinVar:

NM_000368.5(TSC1):c.1206T>A (p.His402Gln)

Gene: TSC1 (TSC complex subunit 1; minus strand). Cytogenetic location: 9q34.13.
Variant type: single nucleotide variant.
Coding change: c.1206T>A on transcript NM_000368.5 (MANE Select); coding-DNA position 1206, T replaced by A.
Protein change: p.His402Gln; replaces histidine 402 with glutamine.
Molecular consequence: missense variant.
Genome position (GRCh38, 1-based): chr9:132,910,628, A>T on the plus strand (T>A on the coding strand, the complement: TSC1 is on the minus strand). VCF-style: chr9-132910628-A-T. GRCh37 (hg19) VCF-style: chr9-135786015-A-T.
Other names: c.1203T>A, p.His401Gln (NM_001162426.2); c.1053T>A, p.His351Gln (NM_001162427.2); c.843T>A, p.His281Gln (NM_001362177.2); short protein forms H351Q, H401Q, H402Q, H281Q.
Identifiers: ClinVar variation 949063 (VCV000949063.11), dbSNP rs1845902050, ClinGen allele CA375366961.

ClinVar aggregate classification (germline): Uncertain significance. Review status: criteria provided, multiple submitters, no conflicts (2 of 4 stars). 3 submissions from 3 submitters: Uncertain significance (3). Last evaluated 2025-12-12.

Conditions:
Hereditary cancer-predisposing syndrome. Also called: Hereditary neoplastic syndrome; Tumor predisposition; Neoplastic Syndromes, Hereditary; Hereditary Cancer Syndrome. Identifiers: Orphanet 140162, MedGen C0027672, MeSH D009386, MONDO:0015356.
Tuberous sclerosis 1 (TSC1). Identifiers: Orphanet 805, MedGen C1854465, MONDO:0008612, OMIM 191100.
Tuberous sclerosis syndrome (TSC). Also called: Tuberous Sclerosis Complex; Tuberous sclerosis. Identifiers: Orphanet 805, MedGen C0041341, MONDO:0001734.

Submissions (3):

Ambry Genetics
Classification: Uncertain significance for Hereditary cancer-predisposing syndrome. Last evaluated: 2025-12-12. Review status: criteria provided, single submitter. Criteria: Ambry Variant Classification Scheme 2023. Collection method: clinical testing. Allele origin: germline.
Comment: The p.H402Q variant (also known as c.1206T>A), located in coding exon 10 of the TSC1 gene, results from a T to A substitution at nucleotide position 1206. The histidine at codon 402 is replaced by glutamine, an amino acid with highly similar properties. This amino acid position is conserved. In addition, this alteration is predicted to be tolerated by in silico analysis. Since supporting evidence is limited at this time, the clinical significance of this alteration remains unclear.

Labcorp Genetics (formerly Invitae), Labcorp
Classification: Uncertain significance for Tuberous sclerosis 1. Last evaluated: 2024-08-13. Review status: criteria provided, single submitter. Criteria: Invitae Variant Classification Sherloc (09022015). Collection method: clinical testing. Allele origin: germline.
Comment: This sequence change replaces histidine, which is basic and polar, with glutamine, which is neutral and polar, at codon 402 of the TSC1 protein (p.His402Gln). This variant is not present in population databases (gnomAD no frequency). This variant has not been reported in the literature in individuals affected with TSC1-related conditions. ClinVar contains an entry for this variant (Variation ID: 949063). An algorithm developed to predict the effect of missense changes on protein structure and function (PolyPhen-2) suggests that this variant¬†is likely to be tolerated. In summary, the available evidence is currently insufficient to determine the role of this variant in disease. Therefore, it has been classified as a Variant of Uncertain Significance.

All of Us Research Program, National Institutes of Health
Classification: Uncertain significance for Tuberous sclerosis syndrome. Last evaluated: 2023-05-30. Review status: criteria provided, single submitter. Criteria: ACMG Guidelines, 2015. Collection method: clinical testing. Allele origin: germline. Inheritance: Autosomal dominant inheritance. Observed: 1 variant allele, 1 heterozygote.
Comment: This missense variant replaces histidine with glutamine at codon 402 of the TSC1 protein. Computational prediction suggests that this variant may not impact protein structure and function (internally defined REVEL score threshold <= 0.5, PMID: 27666373). To our knowledge, functional studies have not been reported for this variant. This variant has not been reported in individuals affected with TSC1-related disorders in the literature. This variant has not been identified in the general population by the Genome Aggregation Database (gnomAD). The available evidence is insufficient to determine the role of this variant in disease conclusively. Therefore, this variant is classified as a Variant of Uncertain Significance.

This study involves interpretation of variants in research participants for the purpose of population health screening. Participant phenotype was not available at the time of variant classification. Additional details can be found in publication PMID: 35346344, PMCID: PMC8962531